The following is an entry in ClinVar:

ClinVar aggregate classification (germline): Benign. Review status: criteria provided, single submitter (1 of 4 stars). 2 submissions from 2 submitters: Benign (1). 1 of the submissions does not count toward it. Last evaluated 2026-01-14.

Conditions:
APOA4-related disorder. Also called: APOA4-related condition.

Allele frequency attached by ClinVar (database versions not stated): gnomAD 0.00476 and 0.00506; TOPMed 0.00495; gnomAD exomes 0.00122; ExAC 0.00157; ESP Exome Variant Server 0.00570; 1000 Genomes Project 0.00619; 1000 Genomes Project 30x 0.00687.
gnomAD v4.1: 1,392 of 1,613,584 alleles (0.086%); highest among the groups gnomAD compares: African/African-American, 1.6%; 11 homozygotes.

Submissions (2):

Labcorp Genetics (formerly Invitae), Labcorp
Classification: Benign. Last evaluated: 2026-01-14. Review status: criteria provided, single submitter. Criteria: Invitae Variant Classification Sherloc (09022015). Collection method: clinical testing. Allele origin: germline.

PreventionGenetics, part of Exact Sciences
Classification: Benign for APOA4-related condition. Last evaluated: 2024-03-11. Review status: no assertion criteria provided. Collection method: clinical testing. Allele origin: germline. Not counted in ClinVar's aggregate classification.
Comment: This variant is classified as benign based on ACMG/AMP sequence variant interpretation guidelines (Richards et al. 2015 PMID: 25741868, with internal and published modifications).

NM_000482.4(APOA4):c.780C>T (p.Ala260=)

Gene: APOA4 (apolipoprotein A4; minus strand). Cytogenetic location: 11q23.3.
Variant type: single nucleotide variant.
Coding change: c.780C>T on transcript NM_000482.4 (MANE Select); coding-DNA position 780, C replaced by T.
Protein change: p.Ala260=; no amino-acid change (alanine 260 retained).
Molecular consequence: synonymous variant.
Genome position (GRCh38, 1-based): chr11:116,821,278, G>A on the plus strand (C>T on the coding strand, the complement: APOA4 is on the minus strand). VCF-style: chr11-116821278-G-A. GRCh37 (hg19) VCF-style: chr11-116691994-G-A.
Identifiers: ClinVar variation 791549 (VCV000791549.10), dbSNP rs5105, ClinGen allele CA6289315.